The following is an entry in ClinVar:

ClinVar aggregate classification (germline): Benign/Likely benign. Review status: criteria provided, single submitter (1 of 4 stars). 2 submissions from 1 submitter: Benign (1); Likely benign (1). Last evaluated 2018-01-13.

Conditions:
Susceptibility to mononeuropathy of the median nerve, mild. Also called: CARPAL TUNNEL SYNDROME, SUSCEPTIBILITY TO. Identifiers: MedGen C3150596, MONDO:0013237, OMIM 613353.
Charcot-Marie-Tooth disease type 4C (CMT4C). Also called: CHARCOT-MARIE-TOOTH DISEASE, DEMYELINATING, TYPE 4C; SH3TC2-Related Hereditary Motor and Sensory Neuropathy; Charcot-Marie-Tooth Neuropathy Type 4C (CMT4C); CHARCOT-MARIE-TOOTH DISEASE, DEMYELINATING, AUTOSOMAL RECESSIVE, TYPE 4C; CMT 4C. Identifiers: Orphanet 99949, MedGen C1866636, MONDO:0011113, OMIM 601596.

Allele frequency attached by ClinVar (database versions not stated): gnomAD 0.00299 and 0.00322; TOPMed 0.00306; 1000 Genomes Project 0.00399; 1000 Genomes Project 30x 0.00453.
gnomAD v4.1: 452 of 152,302 alleles (0.3%); highest among the groups gnomAD compares: African/African-American, 1%; 2 homozygotes.

Submissions (2):

Illumina Laboratory Services, Illumina
Classification: Benign for Susceptibility to mononeuropathy of the median nerve, mild. Last evaluated: 2018-01-13. Review status: criteria provided, single submitter. Criteria: ICSL Variant Classification Criteria 13 December 2019. Collection method: clinical testing. Allele origin: germline.
Comment: This variant was observed in the ICSL laboratory as part of a predisposition screen in an ostensibly healthy population. It had not been previously curated by ICSL or reported in the Human Gene Mutation Database (HGMD: prior to June 1st, 2018), and was therefore a candidate for classification through an automated scoring system. Utilizing variant allele frequency, disease prevalence and penetrance estimates, and inheritance mode, an automated score was calculated to assess if this variant is too frequent to cause the disease. Based on the score and internal cut-off values, a variant classified as benign is not then subjected to further curation. The score for this variant resulted in a classification of benign for this disease.

Illumina Laboratory Services, Illumina
Classification: Likely benign for Charcot-Marie-Tooth disease type 4C. Last evaluated: 2018-01-13. Review status: criteria provided, single submitter. Criteria: ICSL Variant Classification Criteria 13 December 2019. Collection method: clinical testing. Allele origin: germline.
Comment: This variant was observed in the ICSL laboratory as part of a predisposition screen in an ostensibly healthy population. It had not been previously curated by ICSL or reported in the Human Gene Mutation Database (HGMD: prior to June 1st, 2018), and was therefore a candidate for classification through an automated scoring system. Utilizing variant allele frequency, disease prevalence and penetrance estimates, and inheritance mode, an automated score was calculated to assess if this variant is too frequent to cause the disease. Based on the score and internal cut-off values, a variant classified as likely benign is not then subjected to further curation. The score for this variant resulted in a classification of likely benign for this disease.

NM_024577.4(SH3TC2):c.*7918C>T

Gene: SH3TC2 (SH3 domain and tetratricopeptide repeats 2; minus strand). Cytogenetic location: 5q32.
Variant type: single nucleotide variant.
Coding change: c.*7918C>T on transcript NM_024577.4 (MANE Select); 7918 bases downstream of the stop codon, C replaced by T.
Molecular consequence: 3 prime UTR variant.
Genome position (GRCh38, 1-based): chr5:148,996,793, G>A on the plus strand (C>T on the coding strand, the complement: SH3TC2 is on the minus strand). VCF-style: chr5-148996793-G-A. GRCh37 (hg19) VCF-style: chr5-148376356-G-A.
Identifiers: ClinVar variation 906743 (VCV000906743.4), dbSNP rs148732819, ClinGen allele CA128990061.